The following is an entry in ClinVar:

ClinVar aggregate classification (germline): Pathogenic/Likely pathogenic. Review status: criteria provided, multiple submitters, no conflicts (2 of 4 stars). 3 submissions from 3 submitters: Pathogenic (2); Likely pathogenic (1). Last evaluated 2026-08-04.

Conditions:
KCNH2-related disorder. Also called: KCNH2-related disorders; KCNH2-related condition.
Long QT syndrome (LQTS). Identifiers: MedGen C0023976, MeSH D008133, MONDO:0002442. Disease mechanism: loss of function. Inheritance: Various modes of inheritance.

Submissions (3):

PreventionGenetics, part of Exact Sciences
Classification: Pathogenic for KCNH2-related condition. Last evaluated: 2026-08-04. Review status: criteria provided, single submitter. Criteria: ACMG Guidelines, 2015. Collection method: clinical testing. Allele origin: germline.
Comment: The KCNH2 c.1701delC variant is predicted to result in a frameshift and premature protein termination (p.Trp568Glyfs*26). This variant has been reported in an individual with long QT syndrome (Napolitano et al. 2005. PubMed ID: 16414944). This variant is absent in a large population database (gnomAD), indicating this variant is rare. Frameshift variants in KCNH2 are an established mechanism of disease. This variant is interpreted as pathogenic.

Labcorp Genetics (formerly Invitae), Labcorp
Classification: Pathogenic for Long QT syndrome. Last evaluated: 2026-01-01. Review status: criteria provided, single submitter. Criteria: Invitae Variant Classification Sherloc (09022015). Collection method: clinical testing. Allele origin: germline.
Comment: This sequence change creates a premature translational stop signal (p.Trp568Glyfs*26) in the KCNH2 gene. It is expected to result in an absent or disrupted protein product. Loss-of-function variants in KCNH2 are known to be pathogenic (PMID: 10973849, 19862833). This variant is not present in population databases (gnomAD no frequency). This premature translational stop signal has been observed in individuals with long QT syndrome (PMID: 16414944). ClinVar contains an entry for this variant (Variation ID: 200642). For these reasons, this variant has been classified as Pathogenic.

GeneDx
Classification: Likely pathogenic. Last evaluated: 2019-10-10. Review status: criteria provided, single submitter. Criteria: GeneDx Variant Classification Process June 2021. Collection method: clinical testing. Allele origin: germline. Affected: yes.
Comment: Frameshift variant predicted to result in protein truncation or nonsense mediated decay in a gene for which loss-of-function is a known mechanism of disease; Not observed in large population cohorts (Lek et al., 2016); This variant is associated with the following publications: (PMID: 16414944)

Literature cited by the submitters: PubMed 10973849 (cited by Labcorp Genetics (formerly Invitae), Labcorp); PubMed 19862833 (cited by Labcorp Genetics (formerly Invitae), Labcorp); PubMed 16414944 (cited by Labcorp Genetics (formerly Invitae), Labcorp).

NM_000238.4(KCNH2):c.1701del (p.Trp568fs)

Gene: KCNH2 (potassium voltage-gated channel subfamily H member 2; minus strand). Cytogenetic location: 7q36.1.
Variant type: Deletion.
Coding change: c.1701del on transcript NM_000238.4 (MANE Select); coding-DNA position 1701, one base deleted (C; older notation c.1701delC).
Protein change: p.Trp568fs; shifts the reading frame from tryptophan 568.
Molecular consequence: frameshift variant.
Genome position (GRCh38, 1-based): chr7:150,951,692, G deleted on the plus strand (C on the coding strand, the reverse complement: KCNH2 is on the minus strand). VCF-style (leftmost placement, unchanged base first): chr7-150951691-AG-A. GRCh37 (hg19) VCF-style: chr7-150648779-AG-A.
Other names: c.1701delC, p.Trp568Glyfs (NM_000238.3, NM_172056.3); c.681del, p.Trp228fs (NM_001204798.2, NM_172057.3); c.1413delC, p.Trp472Glyfs (NM_001406753.1, NM_001406756.1); c.1524delC, p.Trp509Glyfs (NM_001406755.1); c.1401delC, p.Trp468Glyfs (NM_001406757.1); c.1701del (NM_000238.2); short protein forms W228fs, W568fs.
Identifiers: ClinVar variation 200642 (VCV000200642.15), dbSNP rs794728440, ClinGen allele CA005175.